The following is an entry in ClinVar:

ClinVar aggregate classification (germline): Uncertain significance (1 of 4 stars; one submission).

Submission:

GeneDx
Classification: Uncertain significance. Last evaluated: 2024-06-12. Review status: criteria provided, single submitter. Criteria: GeneDx Variant Classification Process June 2021. Collection method: clinical testing. Allele origin: germline. Affected: yes.
Comment: Has not been previously published as pathogenic or benign to our knowledge; Not observed at significant frequency in large population cohorts (gnomAD); In silico analysis supports that this missense variant has a deleterious effect on protein structure/function

NM_053025.4(MYLK):c.5503T>C (p.Tyr1835His)

Genes: MYLK (myosin light chain kinase; minus strand), MYLK-AS1 (MYLK antisense RNA 1; plus strand). Cytogenetic location: 3q21.1.
Variant type: single nucleotide variant.
Coding change: c.5503T>C on transcript NM_053025.4 (MANE Select); coding-DNA position 5503, T replaced by C.
Protein change: p.Tyr1835His; replaces tyrosine 1835 with histidine.
Molecular consequence: missense variant.
Genome position (GRCh38, 1-based): chr3:123,614,347, A>G on the plus strand (T>C on the coding strand, the complement: MYLK is on the minus strand). VCF-style: chr3-123614347-A-G. GRCh37 (hg19) VCF-style: chr3-123333194-A-G.
Other names: c.4975T>C, p.Tyr1659His (NM_001321309.2); c.5296T>C, p.Tyr1766His (NM_053026.4); c.5350T>C, p.Tyr1784His (NM_053027.4); c.5143T>C, p.Tyr1715His (NM_053028.4); c.220T>C, p.Tyr74His (NM_053031.4); c.223T>C, p.Tyr75His (NM_053032.4); short protein forms Y1659H, Y1715H, Y1766H, Y1784H, Y1835H, Y74H, Y75H.
Identifiers: ClinVar variation 3390383 (VCV003390383.1).